The following is an entry in ClinVar:

ClinVar aggregate classification (germline): Likely benign. Review status: criteria provided, multiple submitters, no conflicts (2 of 4 stars). 4 submissions from 4 submitters: Likely benign (4). Last evaluated 2024-10-10.

Conditions:
Hereditary cancer-predisposing syndrome. Also called: Tumor predisposition; Hereditary neoplastic syndrome; Neoplastic Syndromes, Hereditary; Hereditary Cancer Syndrome. Identifiers: Orphanet 140162, MedGen C0027672, MeSH D009386, MONDO:0015356.
Hereditary breast ovarian cancer syndrome. Also called: Hereditary breast and/or ovarian cancer syndrome; Hereditary breast and ovarian cancer syndrome; Hereditary breast and ovarian cancer syndrome (HBOC); Hereditary breast and ovarian cancer; BRCA1- and BRCA2-Associated Hereditary Breast and Ovarian Cancer; Breast and ovarian cancer. Identifiers: Orphanet 145, MedGen C0677776, MeSH D061325, MONDO:0003582. Disease mechanism: loss of function.

Allele frequency attached by ClinVar (database versions not stated): gnomAD exomes below 0.00001; TOPMed below 0.00001.
gnomAD v4.1: 1 of 1,614,134 alleles (0.000062%); no homozygotes.

Submissions (4):

Labcorp Genetics (formerly Invitae), Labcorp
Classification: Likely benign for Hereditary breast ovarian cancer syndrome. Last evaluated: 2024-10-10. Review status: criteria provided, single submitter. Criteria: Invitae Variant Classification Sherloc (09022015). Collection method: clinical testing. Allele origin: germline.

Ambry Genetics
Classification: Likely benign for Hereditary cancer-predisposing syndrome. Last evaluated: 2019-12-08. Review status: criteria provided, single submitter. Criteria: Ambry Variant Classification Scheme 2023. Collection method: clinical testing. Allele origin: germline.

Color Diagnostics, LLC DBA Color Health
Classification: Likely benign for Hereditary cancer-predisposing syndrome. Last evaluated: 2019-03-21. Review status: criteria provided, single submitter. Criteria: ACMG Guidelines, 2015. Collection method: clinical testing. Allele origin: germline.

GeneDx
Classification: Likely benign. Last evaluated: 2015-10-16. Review status: criteria provided, single submitter. Criteria: GeneDx Variant Classification (06012015). Collection method: clinical testing. Allele origin: germline. Affected: yes.
Comment: This variant is considered likely benign or benign based on one or more of the following criteria: it is a conservative change, it occurs at a poorly conserved position in the protein, it is predicted to be benign by multiple in silico algorithms, and/or has population frequency not consistent with disease.

NM_000059.4(BRCA2):c.174A>G (p.Glu58=)

Gene: BRCA2 (BRCA2 DNA repair associated; plus strand). Cytogenetic location: 13q13.1.
Variant type: single nucleotide variant.
Coding change: c.174A>G on transcript NM_000059.4 (MANE Select); coding-DNA position 174, A replaced by G.
Protein change: p.Glu58=; no amino-acid change (glutamic acid 58 retained).
Molecular consequence: synonymous variant.
Genome position (GRCh38, 1-based): chr13:32,319,183, A>G. VCF-style: chr13-32319183-A-G. GRCh37 (hg19) VCF-style: chr13-32893320-A-G.
Identifiers: ClinVar variation 381157 (VCV000381157.7), dbSNP rs924234502, ClinGen allele CA16607452.